The following is an entry in ClinVar:

NM_000051.4(ATM):c.4050G>T (p.Thr1350=)

Gene: ATM (ATM serine/threonine kinase; plus strand). Cytogenetic location: 11q22.3.
Variant type: single nucleotide variant.
Coding change: c.4050G>T on transcript NM_000051.4 (MANE Select); coding-DNA position 4050, G replaced by T.
Protein change: p.Thr1350=; no amino-acid change (threonine 1350 retained).
Molecular consequence: synonymous variant.
Genome position (GRCh38, 1-based): chr11:108,287,656, G>T. VCF-style: chr11-108287656-G-T. GRCh37 (hg19) VCF-style: chr11-108158383-G-T.
Other names: c.4050G>T, p.Thr1350= (NM_001351834.2).
Identifiers: ClinVar variation 3254135 (VCV003254135.3), dbSNP rs770697446.

ClinVar aggregate classification (germline): Benign/Likely benign. Review status: criteria provided, multiple submitters, no conflicts (2 of 4 stars). 3 submissions from 3 submitters: Benign (1); Likely benign (2). Last evaluated 2024-07-26.

Conditions:
Hereditary cancer-predisposing syndrome. Also called: Hereditary Cancer Syndrome; Tumor predisposition; Hereditary neoplastic syndrome; Neoplastic Syndromes, Hereditary. Identifiers: Orphanet 140162, MedGen C0027672, MeSH D009386, MONDO:0015356.
Familial cancer of breast. Also called: BREAST CANCER, FAMILIAL; Hereditary breast cancer; hereditary breast carcinoma. Identifiers: Orphanet 227535, MedGen C0346153, MONDO:0016419, OMIM 114480. Disease mechanism: loss of function.

gnomAD v4.1: 1 of 1,613,726 alleles (0.000062%); highest among the groups gnomAD compares: Non-Finnish European, 0.000085%; no homozygotes.

Submissions (3):

Color Diagnostics, LLC DBA Color Health
Classification: Likely benign for Hereditary cancer-predisposing syndrome. Last evaluated: 2024-07-26. Review status: criteria provided, single submitter. Criteria: ACMG Guidelines, 2015. Collection method: clinical testing. Allele origin: germline.

Myriad Genetics, Inc.
Classification: Benign for Familial cancer of breast. Last evaluated: 2024-05-16. Review status: criteria provided, single submitter. Criteria: Myriad Autosomal Dominant, Autosomal Recessive and X-Linked Classification Criteria (2023). Collection method: clinical testing. Allele origin: unknown.
Comment: This variant is considered benign. This variant is a silent/synonymous amino acid change and it is not expected to impact splicing.

Ambry Genetics
Classification: Likely benign for Hereditary cancer-predisposing syndrome. Last evaluated: 2024-04-04. Review status: criteria provided, single submitter. Criteria: Ambry Variant Classification Scheme 2023. Collection method: clinical testing. Allele origin: germline.